The following is an entry in ClinVar:

ClinVar aggregate classification (germline): Uncertain significance. Review status: criteria provided, multiple submitters, no conflicts (2 of 4 stars). 2 submissions from 2 submitters: Uncertain significance (2). Last evaluated 2025-05-21.

Conditions:
Hereditary cancer-predisposing syndrome. Also called: Neoplastic Syndromes, Hereditary; Tumor predisposition; Hereditary Cancer Syndrome; Hereditary neoplastic syndrome. Identifiers: Orphanet 140162, MedGen C0027672, MeSH D009386, MONDO:0015356.

Submissions (2):

Ambry Genetics
Classification: Uncertain significance for Hereditary cancer-predisposing syndrome. Last evaluated: 2025-05-21. Review status: criteria provided, single submitter. Criteria: Ambry Variant Classification Scheme 2023. Collection method: clinical testing. Allele origin: germline.
Comment: The c.3643dupA variant, located in coding exon 19 of the BRIP1 gene, results from a duplication of A at nucleotide position 3643, causing a translational frameshift with a predicted alternate stop codon (p.T1215Nfs*6). This alteration occurs at the 3' terminus of theBRIP1 gene, is not expected to trigger nonsense-mediated mRNAdecay, and impacts the last 35 amino acids of the protein. The exact functional effect of this alteration is unknown. Since supporting evidence is limited at this time, the clinical significance of this alteration remains unclear.

Color Diagnostics, LLC DBA Color Health
Classification: Uncertain significance for Hereditary cancer-predisposing syndrome. Last evaluated: 2025-03-17. Review status: criteria provided, single submitter. Criteria: ACMG Guidelines, 2015. Collection method: clinical testing. Allele origin: germline.
Comment: This variant inserts 1 nucleotide in exon 20/20 of the BRIP1 gene, creating a frameshift and premature translation stop signal in the last coding exon. This mutant transcript is predicted to escape nonsense-mediated decay and be expressed as a truncated protein. To our knowledge, this variant has not been reported in individuals affected with BRIP1-related disorders in the literature. This variant has not been identified in the general population by the Genome Aggregation Database (gnomAD). Loss of BRIP1 function is a known mechanism of disease. The available evidence is insufficient to determine the role of this variant in disease conclusively. Therefore, this variant is classified as a Variant of Uncertain Significance.

NM_032043.3(BRIP1):c.3643dup (p.Thr1215fs)

Gene: BRIP1 (BRCA1 interacting DNA helicase 1; minus strand). Cytogenetic location: 17q23.2.
Variant type: Duplication.
Coding change: c.3643dup on transcript NM_032043.3 (MANE Select); coding-DNA position 3643, one base duplicated (A; older notation c.3643dupA).
Protein change: p.Thr1215fs; shifts the reading frame from threonine 1215.
Molecular consequence: frameshift variant.
Genome position (GRCh38, 1-based): chr17:61,683,403, T duplicated on the plus strand (A on the coding strand, the reverse complement: BRIP1 is on the minus strand); the first of 5 consecutive T bases (chr17:61,683,403-61,683,407); duplicating any one gives the same sequence. VCF-style (leftmost placement, unchanged base first): chr17-61683402-G-GT. GRCh37 (hg19) VCF-style: chr17-59760763-G-GT.
Other names: c.3643dupA (NM_032043.2); short protein forms T1215fs.
Identifiers: ClinVar variation 1733532 (VCV001733532.4), dbSNP rs2544552699, ClinGen allele CA2580094544.